The following is an entry in ClinVar:

ClinVar aggregate classification (germline): Conflicting classifications of pathogenicity. Review status: criteria provided, conflicting classifications (1 of 4 stars). 2 submissions from 2 submitters: Uncertain significance (1); Likely benign (1). Last evaluated 2024-11-27.

Conditions:
Progressive myoclonic epilepsy type 3. Also called: KCTD7-Related Progressive Myoclonic Epilepsy; EPILEPSY, PROGRESSIVE MYOCLONIC, 3, WITH OR WITHOUT INTRACELLULAR INCLUSIONS; CEROID LIPOFUSCINOSIS, NEURONAL, 14; EPILEPSY, PROGRESSIVE MYOCLONIC, 3, WITHOUT INTRACELLULAR INCLUSIONS. Identifiers: Orphanet 263516, MedGen C2673257, MONDO:0012721, OMIM 611726.

Allele frequency attached by ClinVar (database versions not stated): TOPMed below 0.00001; ExAC 0.00001; gnomAD 0.00001; gnomAD exomes 0.00001.
gnomAD v4.1: 11 of 1,614,080 alleles (0.00068%); highest among the groups gnomAD compares: African/African-American, 0.0027%; no homozygotes.

Submissions (2):

Labcorp Genetics (formerly Invitae), Labcorp
Classification: Likely benign for Progressive myoclonic epilepsy type 3. Last evaluated: 2024-11-27. Review status: criteria provided, single submitter. Criteria: Invitae Variant Classification Sherloc (09022015). Collection method: clinical testing. Allele origin: germline.

GeneDx
Classification: Uncertain significance. Last evaluated: 2014-03-05. Review status: criteria provided, single submitter. Criteria: GeneDx Variant Classification (06012015). Collection method: clinical testing. Allele origin: germline. Affected: yes.
Comment: p.Gly149Gly (GGC>GGT): c.447 C>T in exon 3 of the KCTD7 gene (NM_153033.4) variant has not been published as a mutation, nor has it been reported as a benign polymorphism to our knowledge. It was not observed in approximately 6,500 individuals of European and African American ancestry in the NHLBI Exome Sequencing Project, indicating it is not a common benign variant in these populations. The c.447 C>T variant creates a cryptic splice donor site upstream of the natural donor site. However, in silico analysis is inconsistent to the effect this variant may have on gene splicing. In the absence of the RNA/functional studies, the actual effect of the c.447 C>T sequence change is unknown. Therefore, based on the currently available information, it is unclear whether c.447 C>T is a disease- causing mutation or a rare benign variant. The variant is found in INFANT-EPI,CHILD-EPI panel(s).

NM_153033.5(KCTD7):c.447C>T (p.Gly149=)

Gene: KCTD7 (potassium channel tetramerization domain containing 7; plus strand). Cytogenetic location: 7q11.21.
Variant type: single nucleotide variant.
Coding change: c.447C>T on transcript NM_153033.5 (MANE Select); coding-DNA position 447, C replaced by T.
Protein change: p.Gly149=; no amino-acid change (glycine 149 retained).
Molecular consequence: synonymous variant.
Genome position (GRCh38, 1-based): chr7:66,638,385, C>T. VCF-style: chr7-66638385-C-T. GRCh37 (hg19) VCF-style: chr7-66103372-C-T.
Other names: p.G149G:GGC>GGT; c.447C>T, p.Gly149= (NM_001167961.2).
Identifiers: ClinVar variation 206010 (VCV000206010.8), dbSNP rs767984903, ClinGen allele CA315683.